The following is an entry in ClinVar:

NM_001205293.3(CACNA1E):c.1172-9T>G

Gene: CACNA1E (calcium voltage-gated channel subunit alpha1 E; plus strand). Cytogenetic location: 1q25.3.
Variant type: single nucleotide variant.
Coding change: c.1172-9T>G on transcript NM_001205293.3 (MANE Select); 9 bases into the intron before coding-DNA position 1172, T replaced by G.
Molecular consequence: intron variant.
Genome position (GRCh38, 1-based): chr1:181,715,329, T>G. VCF-style: chr1-181715329-T-G. GRCh37 (hg19) VCF-style: chr1-181684465-T-G.
Other names: c.1172-9T>G (NM_000721.4, NM_001205294.2).
Identifiers: ClinVar variation 2017040 (VCV002017040.4), dbSNP rs2528484591, ClinGen allele CA2580061561.

ClinVar aggregate classification (germline): Uncertain significance (1 of 4 stars; one submission).

Submission:

Labcorp Genetics (formerly Invitae), Labcorp
Classification: Uncertain significance. Last evaluated: 2022-07-14. Review status: criteria provided, single submitter. Criteria: Invitae Variant Classification Sherloc (09022015). Collection method: clinical testing. Allele origin: germline.
Comment: This sequence change falls in intron 8 of the CACNA1E gene. It does not directly change the encoded amino acid sequence of the CACNA1E protein. In summary, the available evidence is currently insufficient to determine the role of this variant in disease. Therefore, it has been classified as a Variant of Uncertain Significance. Algorithms developed to predict the effect of sequence changes on RNA splicing suggest that this variant may disrupt the consensus splice site. This variant has not been reported in the literature in individuals affected with CACNA1E-related conditions. This variant is not present in population databases (gnomAD no frequency).